The following is an entry in ClinVar:

ClinVar aggregate classification (germline): Uncertain significance. Review status: criteria provided, multiple submitters, no conflicts (2 of 4 stars). 2 submissions from 2 submitters: Uncertain significance (2). Last evaluated 2025-11-20.

Conditions:
Inborn genetic diseases. Identifiers: MedGen C0950123, MeSH D030342.
Xanthinuria type II. Also called: Xanthine dehydrogenase and aldehyde oxidase combined deficiency of; XDH and AOX dual deficiency. Identifiers: Orphanet 3467, Orphanet 93602, MedGen C1863688, MONDO:0011346, OMIM 603592.

Allele frequency attached by ClinVar (database versions not stated): gnomAD exomes 0.00003 and 0.00004; ExAC 0.00006; gnomAD 0.00002 and 0.00003; 1000 Genomes Project 30x 0.00016; 1000 Genomes Project 0.00020.
gnomAD v4.1: 43 of 1,614,242 alleles (0.0027%); highest among the groups gnomAD compares: South Asian, 0.025%; no homozygotes.

Submissions (2):

Ambry Genetics
Classification: Uncertain significance for Inborn genetic diseases. Last evaluated: 2025-11-20. Review status: criteria provided, single submitter. Criteria: Ambry Variant Classification Scheme 2023. Collection method: clinical testing. Allele origin: germline.

Labcorp Genetics (formerly Invitae), Labcorp
Classification: Uncertain significance for Xanthinuria type II. Last evaluated: 2022-08-10. Review status: criteria provided, single submitter. Criteria: Invitae Variant Classification Sherloc (09022015). Collection method: clinical testing. Allele origin: germline.
Comment: In summary, the available evidence is currently insufficient to determine the role of this variant in disease. Therefore, it has been classified as a Variant of Uncertain Significance. Algorithms developed to predict the effect of missense changes on protein structure and function output the following: SIFT: "Tolerated"; PolyPhen-2: "Benign"; Align-GVGD: "Class C0". The cysteine amino acid residue is found in multiple mammalian species, which suggests that this missense change does not adversely affect protein function. ClinVar contains an entry for this variant (Variation ID: 1425737). This variant has not been reported in the literature in individuals affected with XDH-related conditions. This variant is present in population databases (rs558003041, gnomAD 0.02%). This sequence change replaces arginine, which is basic and polar, with cysteine, which is neutral and slightly polar, at codon 599 of the XDH protein (p.Arg599Cys).

NM_000379.4(XDH):c.1795C>T (p.Arg599Cys)

Gene: XDH (xanthine dehydrogenase; minus strand). Cytogenetic location: 2p23.1.
Variant type: single nucleotide variant.
Coding change: c.1795C>T on transcript NM_000379.4 (MANE Select); coding-DNA position 1795, C replaced by T.
Protein change: p.Arg599Cys; replaces arginine 599 with cysteine.
Molecular consequence: missense variant.
Genome position (GRCh38, 1-based): chr2:31,372,289, G>A on the plus strand (C>T on the coding strand, the complement: XDH is on the minus strand). VCF-style: chr2-31372289-G-A. GRCh37 (hg19) VCF-style: chr2-31595155-G-A.
Other names: c.1795C>T (NM_000379.3); short protein forms R599C.
Identifiers: ClinVar variation 1425737 (VCV001425737.7), dbSNP rs558003041, ClinGen allele CA1599081.